The following is an entry in ClinVar:

ClinVar aggregate classification (germline): Uncertain significance (1 of 4 stars; one submission).

Submission:

Labcorp Genetics (formerly Invitae), Labcorp
Classification: Uncertain significance. Last evaluated: 2023-12-11. Review status: criteria provided, single submitter. Criteria: Invitae Variant Classification Sherloc (09022015). Collection method: clinical testing. Allele origin: germline.
Comment: This sequence change replaces histidine, which is basic and polar, with leucine, which is neutral and non-polar, at codon 2 of the LRIT3 protein (p.His2Leu). This variant is not present in population databases (gnomAD no frequency). This variant has not been reported in the literature in individuals affected with LRIT3-related conditions. ClinVar contains an entry for this variant (Variation ID: 1935036). Algorithms developed to predict the effect of missense changes on protein structure and function output the following: SIFT: "Not Available"; PolyPhen-2: "Benign"; Align-GVGD: "Not Available". The leucine amino acid residue is found in multiple mammalian species, which suggests that this missense change does not adversely affect protein function. In summary, the available evidence is currently insufficient to determine the role of this variant in disease. Therefore, it has been classified as a Variant of Uncertain Significance.

NM_198506.5(LRIT3):c.5A>T (p.His2Leu)

Gene: LRIT3 (leucine rich repeat, Ig-like and transmembrane domains 3; plus strand). Cytogenetic location: 4q25.
Variant type: single nucleotide variant.
Coding change: c.5A>T on transcript NM_198506.5 (MANE Select); coding-DNA position 5, A replaced by T.
Protein change: p.His2Leu; replaces histidine 2 with leucine.
Molecular consequence: missense variant.
Genome position (GRCh38, 1-based): chr4:109,848,206, A>T. VCF-style: chr4-109848206-A-T. GRCh37 (hg19) VCF-style: chr4-110769362-A-T.
Other names: short protein forms H2L.
Identifiers: ClinVar variation 1935036 (VCV001935036.5), dbSNP rs2545576587, ClinGen allele CA357869705.